The following is an entry in ClinVar:

NM_017780.4(CHD7):c.4746T>C (p.Asp1582=)

Gene: CHD7 (chromodomain helicase DNA binding protein 7; plus strand). Cytogenetic location: 8q12.2.
Variant type: single nucleotide variant.
Coding change: c.4746T>C on transcript NM_017780.4 (MANE Select); coding-DNA position 4746, T replaced by C.
Protein change: p.Asp1582=; no amino-acid change (aspartic acid 1582 retained).
Molecular consequence: synonymous variant. On other transcripts: intron variant (1).
Genome position (GRCh38, 1-based): chr8:60,841,948, T>C. VCF-style: chr8-60841948-T-C. GRCh37 (hg19) VCF-style: chr8-61754507-T-C.
Other names: c.1717-20281T>C (NM_001316690.1); c.4746T>C (LRG_176t1).
Identifiers: ClinVar variation 507684 (VCV000507684.13), dbSNP rs771978086, ClinGen allele CA4760185.
Genomic context (GRCh38, chr8:60,841,948, plus strand): 5'-CAGGCTCTACAGTGCAGTGAAGGAAGATGAGCTGATGGAGTTCTCAGACTTGGAAAGTGA[T>C]TCTGAAGAAAAGCCCTGTGCAAAGCCACGGCGTCCCCAGGATAAGTCACAGGGCTATGCA-3'
Protein context (NP_060250.2, residues 1572-1592): ELMEFSDLES[Asp1582=]SEEKPCAKPR

ClinVar aggregate classification (germline): Likely benign. Review status: criteria provided, multiple submitters, no conflicts (2 of 4 stars). 3 submissions from 3 submitters: Likely benign (3). Last evaluated 2026-01-19.

Conditions:
CHARGE syndrome (CHARGE). Also called: Hittner Hirsch Kreh syndrome; Coloboma, heart anomaly, choanal atresia, retardation, genital and ear anomalies; CHARGE association; Hall-Hittner syndrome; CHARGE ASSOCIATION--COLOBOMA, HEART ANOMALY, CHOANAL ATRESIA, RETARDATION, GENITAL AND EAR ANOMALIES. Identifiers: Orphanet 138, MedGen C0265354, MONDO:0008965.
Inborn genetic diseases. Identifiers: MedGen C0950123, MeSH D030342.

Allele frequency attached by ClinVar (database versions not stated): gnomAD 0.00002; gnomAD exomes 0.00002 and 0.00005; TOPMed 0.00002; ExAC 0.00005.

Submissions (3):

Labcorp Genetics (formerly Invitae), Labcorp
Classification: Likely benign for CHARGE syndrome. Last evaluated: 2026-01-19. Review status: criteria provided, single submitter. Criteria: Invitae Variant Classification Sherloc (09022015). Collection method: clinical testing. Allele origin: germline.

GeneDx
Classification: Likely benign. Last evaluated: 2017-02-28. Review status: criteria provided, single submitter. Criteria: GeneDx Variant Classification (06012015). Collection method: clinical testing. Allele origin: germline. Affected: yes.
Comment: This variant is considered likely benign or benign based on one or more of the following criteria: it is a conservative change, it occurs at a poorly conserved position in the protein, it is predicted to be benign by multiple in silico algorithms, and/or has population frequency not consistent with disease.

Ambry Genetics
Classification: Likely benign for Inborn genetic diseases. Last evaluated: 2016-08-17. Review status: criteria provided, single submitter. Criteria: Ambry Variant Classification Scheme 2023. Collection method: clinical testing. Allele origin: germline.